The following is an entry in ClinVar:

ClinVar aggregate classification (germline): Pathogenic. Review status: criteria provided, multiple submitters, no conflicts (2 of 4 stars). 5 submissions from 5 submitters: Pathogenic (2). 3 of the submissions do not count toward it. Last evaluated 2025-02-06.

Conditions:
PRPH2-related disorder. Also called: PRPH2-related condition; PRPH2-related disorders. Identifiers: MedGen CN239395.
Retinitis pigmentosa 7 (RP7). Identifiers: Orphanet 791, MedGen C1842475, MONDO:0011974, OMIM 608133.
Retinal dystrophy. Also called: Inherited retinal dystrophy. Identifiers: Orphanet 71862, MedGen C0854723, MeSH D058499, MONDO:0019118, HP:0000556.

Submissions (5):

Labcorp Genetics (formerly Invitae), Labcorp
Classification: Pathogenic for PRPH2-related disorder. Last evaluated: 2025-02-06. Review status: criteria provided, single submitter. Criteria: Invitae Variant Classification Sherloc (09022015). Collection method: clinical testing. Allele origin: germline.
Comment: This sequence change replaces asparagine, which is neutral and polar, with lysine, which is basic and polar, at codon 244 of the PRPH2 protein (p.Asn244Lys). This variant is not present in population databases (gnomAD no frequency). This missense change has been observed in individual(s) with autosomal dominant retinitis pigmentosa (PMID: 7993211, 34411390). It has also been observed to segregate with disease in related individuals. ClinVar contains an entry for this variant (Variation ID: 13172). Invitae Evidence Modeling of protein sequence and biophysical properties (such as structural, functional, and spatial information, amino acid conservation, physicochemical variation, residue mobility, and thermodynamic stability) indicates that this missense variant is expected to disrupt PRPH2 protein function with a positive predictive value of 95%. Experimental studies have shown that this missense change affects PRPH2 function (PMID: 20055437). This variant disrupts the p.Asn244 amino acid residue in PRPH2. Other variant(s) that disrupt this residue have been determined to be pathogenic (internal data). This suggests that this residue is clinically significant, and that variants that disrupt this residue are likely to be disease-causing. For these reasons, this variant has been classified as Pathogenic.

Dept Of Ophthalmology, Nagoya University
Classification: Pathogenic for Retinal dystrophy. Last evaluated: 2023-10-01. Review status: criteria provided, single submitter. Criteria: Submitter's publication. Collection method: research. Allele origin: germline. Affected: yes.

Leiden Open Variation Database
Classification: Pathogenic. Last evaluated: 2021-04-06. Review status: no assertion criteria provided. Collection method: curation. Allele origin: germline. Affected: yes. Not counted in ClinVar's aggregate classification.
Comment: Curator: Global Variome, with Curator vacancy. Submitters to LOVD: Manon Peeters, Yoshito Koyanagi.

OMIM
Classification: Pathogenic for RETINITIS PIGMENTOSA 7. Last evaluated: 1994-03-01. Review status: no assertion criteria provided. Collection method: literature only. Allele origin: germline. Not counted in ClinVar's aggregate classification.

Retina International
No classification provided. Review status: no classification provided. Collection method: not provided. Allele origin: not provided. Not counted in ClinVar's aggregate classification.

Literature cited by the submitters: PubMed 7993211 (cited by Labcorp Genetics (formerly Invitae), Labcorp); PubMed 34411390 (cited by Labcorp Genetics (formerly Invitae), Labcorp); PubMed 20055437 (cited by Labcorp Genetics (formerly Invitae), Labcorp); PubMed 7904791 (cited by Leiden Open Variation Database); PubMed 8020945 (cited by Leiden Open Variation Database and OMIM); PubMed 31213501 (cited by Leiden Open Variation Database).

NM_000322.5(PRPH2):c.732C>A (p.Asn244Lys)

Gene: PRPH2 (peripherin 2; minus strand). Cytogenetic location: 6p21.1.
Variant type: single nucleotide variant.
Coding change: c.732C>A on transcript NM_000322.5 (MANE Select); coding-DNA position 732, C replaced by A.
Protein change: p.Asn244Lys; replaces asparagine 244 with lysine.
Molecular consequence: missense variant.
Genome position (GRCh38, 1-based): chr6:42,704,461, G>T on the plus strand (C>A on the coding strand, the complement: PRPH2 is on the minus strand). VCF-style: chr6-42704461-G-T. GRCh37 (hg19) VCF-style: chr6-42672199-G-T.
Other names: short protein forms N244K.
Identifiers: ClinVar variation 13172 (VCV000013172.4), dbSNP rs61755816, ClinGen allele CA226304.
Genomic context (GRCh38, chr6:42,704,461, plus strand): 5'-GGAGTTCATGAGGCTGCTGTAGTAGCTCAGCAGGGCAGCCCTGCAGCCACGCACCCACAG[G>T]TTGAGCTCCTCCGTCTGGTGGTCGTAACTGTAGTGTGCTGAGTTGTTGGTGATCTGATAC-3'
Protein context (NP_000313.2, residues 234-254): YSYDHQTEEL[Asn244Lys]LWVRGCRAAL